The following is an entry in ClinVar:

ClinVar aggregate classification (germline): Uncertain significance (1 of 4 stars; one submission).

Conditions:
Cardiovascular phenotype. Identifiers: MedGen CN230736.

Submission:

Ambry Genetics
Classification: Uncertain significance for Cardiovascular phenotype. Last evaluated: 2023-04-25. Review status: criteria provided, single submitter. Criteria: Ambry Variant Classification Scheme 2023. Collection method: clinical testing. Allele origin: germline.
Comment: The p.T340A variant (also known as c.1018A>G), located in coding exon 5 of the SNTA1 gene, results from an A to G substitution at nucleotide position 1018. The threonine at codon 340 is replaced by alanine, an amino acid with similar properties. This amino acid position is conserved. In addition, this alteration is predicted to be tolerated by in silico analysis. Since supporting evidence is limited at this time, the clinical significance of this alteration remains unclear.

NM_003098.3(SNTA1):c.1018A>G (p.Thr340Ala)

Gene: SNTA1 (syntrophin alpha 1; minus strand). Cytogenetic location: 20q11.21.
Variant type: single nucleotide variant.
Coding change: c.1018A>G on transcript NM_003098.3 (MANE Select); coding-DNA position 1018, A replaced by G.
Protein change: p.Thr340Ala; replaces threonine 340 with alanine.
Molecular consequence: missense variant.
Genome position (GRCh38, 1-based): chr20:33,412,318, T>C on the plus strand (A>G on the coding strand, the complement: SNTA1 is on the minus strand). VCF-style: chr20-33412318-T-C. GRCh37 (hg19) VCF-style: chr20-32000124-T-C.
Other names: short protein forms T340A.
Identifiers: ClinVar variation 2562673 (VCV002562673.2), dbSNP rs2515497080, ClinGen allele CA408631119.